The following is an entry in ClinVar:

ClinVar aggregate classification (germline): Uncertain significance (1 of 4 stars; one submission).

gnomAD v4.1: 160 of 1,612,572 alleles (0.0099%); highest among the groups gnomAD compares: East Asian, 0.28%; no homozygotes.

Submission:

GeneDx
Classification: Uncertain significance. Last evaluated: 2025-01-22. Review status: criteria provided, single submitter. Criteria: GeneDx Variant Classification Process June 2021. Collection method: clinical testing. Allele origin: germline. Affected: yes.
Comment: In silico analysis indicates that this missense variant does not alter protein structure/function; Has not been previously published as pathogenic or benign to our knowledge

NM_001287491.2(TET3):c.1496C>G (p.Pro499Arg)

Gene: TET3 (tet methylcytosine dioxygenase 3; plus strand). Cytogenetic location: 2p13.1.
Variant type: single nucleotide variant.
Coding change: c.1496C>G on transcript NM_001287491.2 (MANE Select); coding-DNA position 1496, C replaced by G.
Protein change: p.Pro499Arg; replaces proline 499 with arginine.
Molecular consequence: missense variant.
Genome position (GRCh38, 1-based): chr2:74,047,413, C>G. VCF-style: chr2-74047413-C-G. GRCh37 (hg19) VCF-style: chr2-74274540-C-G.
Other names: c.1217C>G, p.Pro406Arg (NM_001366022.1); short protein forms P406R, P499R.
Identifiers: ClinVar variation 4071622 (VCV004071622.1).